The following is an entry in ClinVar:

ClinVar aggregate classification (germline): Uncertain significance (1 of 4 stars; one submission).

Conditions:
Emery-Dreifuss muscular dystrophy 5, autosomal dominant (EDMD5). Also called: EMERY-DREIFUSS MUSCULAR DYSTROPHY 5. Identifiers: Orphanet 261, MedGen C2751805, MONDO:0013072, OMIM 612999.

Allele frequency attached by ClinVar (database versions not stated): gnomAD exomes below 0.00001; ExAC 0.00001.
gnomAD v4.1: 1 of 1,610,570 alleles (0.000062%); highest among the groups gnomAD compares: Admixed American, 0.0017%; no homozygotes.

Submission:

Labcorp Genetics (formerly Invitae), Labcorp
Classification: Uncertain significance for Emery-Dreifuss muscular dystrophy 5, autosomal dominant. Last evaluated: 2021-09-01. Review status: criteria provided, single submitter. Criteria: Invitae Variant Classification Sherloc (09022015). Collection method: clinical testing. Allele origin: germline.
Comment: This sequence change replaces histidine with glutamine at codon 2128 of the SYNE2 protein (p.His2128Gln). The histidine residue is weakly conserved and there is a small physicochemical difference between histidine and glutamine. The frequency data for this variant in the population databases is considered unreliable, as metrics indicate poor data quality at this position in the ExAC database. This variant has not been reported in the literature in individuals affected with SYNE2-related conditions. Algorithms developed to predict the effect of missense changes on protein structure and function output the following: SIFT: "Tolerated"; PolyPhen-2: "Benign"; Align-GVGD: "Class C0". The glutamine amino acid residue is found in multiple mammalian species, which suggests that this missense change does not adversely affect protein function. In summary, the available evidence is currently insufficient to determine the role of this variant in disease. Therefore, it has been classified as a Variant of Uncertain Significance.

NM_182914.3(SYNE2):c.6384T>A (p.His2128Gln)

Gene: SYNE2 (spectrin repeat containing nuclear envelope protein 2; plus strand). Cytogenetic location: 14q23.2.
Variant type: single nucleotide variant.
Coding change: c.6384T>A on transcript NM_182914.3 (MANE Select); coding-DNA position 6384, T replaced by A.
Protein change: p.His2128Gln; replaces histidine 2128 with glutamine.
Molecular consequence: missense variant.
Genome position (GRCh38, 1-based): chr14:64,026,710, T>A. VCF-style: chr14-64026710-T-A. GRCh37 (hg19) VCF-style: chr14-64493428-T-A.
Other names: c.6384T>A, p.His2128Gln (NM_015180.6); short protein forms H2128Q.
Identifiers: ClinVar variation 1486269 (VCV001486269.6), dbSNP rs752995209, ClinGen allele CA7220689.